The following is an entry in ClinVar:

ClinVar aggregate classification (germline): Likely benign (1 of 4 stars; one submission).

Submission:

CeGaT Center for Human Genetics Tuebingen
Classification: Likely benign. Last evaluated: 2022-07-01. Review status: criteria provided, single submitter. Criteria: CeGaT Center For Human Genetics Tuebingen Variant Classification Criteria Version 2. Collection method: clinical testing. Allele origin: germline. Affected: yes. Observed: 1 variant allele.
Comment: PACS1: PM2:Supporting, BP4, BP7

NM_018026.4(PACS1):c.27T>C (p.Gly9=)

Gene: PACS1 (phosphofurin acidic cluster sorting protein 1; plus strand). Cytogenetic location: 11q13.1.
Variant type: single nucleotide variant.
Coding change: c.27T>C on transcript NM_018026.4 (MANE Select); coding-DNA position 27, T replaced by C.
Protein change: p.Gly9=; no amino-acid change (glycine 9 retained).
Molecular consequence: synonymous variant.
Genome position (GRCh38, 1-based): chr11:66,070,513, T>C. VCF-style: chr11-66070513-T-C. GRCh37 (hg19) VCF-style: chr11-65837984-T-C.
Identifiers: ClinVar variation 2641980 (VCV002641980.24), dbSNP rs2495229725, ClinGen allele CA475517048.
Genomic context (GRCh38, chr11:66,070,513, plus strand): 5'-GCCTCGGCCTCCGTAACCCCCGCCTAGCCGGGCCATGGCGGAACGCGGAGGGGCGGGCGG[T>C]GGTCCCGGAGGCGCCGGGGGCGGCAGCGGCCAGCGGGGATCCGGGGTCGCCCAGTCCCCT-3'
Protein context (NP_060496.2, residues 1-19): MAERGGAG[Gly9=]GPGGAGGGSG